The following is an entry in ClinVar:

ClinVar aggregate classification (germline): Likely benign. Review status: criteria provided, multiple submitters, no conflicts (2 of 4 stars). 2 submissions from 2 submitters: Likely benign (2). Last evaluated 2018-06-14.

Allele frequency attached by ClinVar (database versions not stated): TOPMed 0.01640; 1000 Genomes Project 30x 0.01655; 1000 Genomes Project 0.01717; gnomAD 0.01774 and 0.01918; ESP Exome Variant Server 0.01927.
gnomAD v4.1: 36,674 of 1,585,464 alleles (2.3%); highest among the groups gnomAD compares: South Asian, 5%; 556 homozygotes.

Submissions (2):

GeneDx
Classification: Likely benign. Last evaluated: 2018-06-14. Review status: criteria provided, single submitter. Criteria: GeneDx Variant Classification (06012015). Collection method: clinical testing. Allele origin: germline. Affected: yes.
Comment: This variant is considered likely benign or benign based on one or more of the following criteria: it is a conservative change, it occurs at a poorly conserved position in the protein, it is predicted to be benign by multiple in silico algorithms, and/or has population frequency not consistent with disease.

Breakthrough Genomics
Classification: Likely benign. Review status: criteria provided, single submitter. Criteria: ACMG Guidelines, 2015. Collection method: not provided. Allele origin: germline. Inheritance: Autosomal recessive inheritance. Affected: yes.

NM_001852.4(COL9A2):c.630+74G>A

Gene: COL9A2 (collagen type IX alpha 2 chain; minus strand). Cytogenetic location: 1p34.2.
Variant type: single nucleotide variant.
Coding change: c.630+74G>A on transcript NM_001852.4 (MANE Select); 74 bases into the intron after coding-DNA position 630, G replaced by A.
Molecular consequence: intron variant.
Genome position (GRCh38, 1-based): chr1:40,311,019, C>T on the plus strand (G>A on the coding strand, the complement: COL9A2 is on the minus strand). VCF-style: chr1-40311019-C-T. GRCh37 (hg19) VCF-style: chr1-40776691-C-T.
Identifiers: ClinVar variation 677881 (VCV000677881.2), dbSNP rs3737816, ClinGen allele CA10866241.